The following is an entry in ClinVar:

ClinVar aggregate classification (germline): Benign/Likely benign. Review status: criteria provided, multiple submitters, no conflicts (2 of 4 stars). 4 submissions from 4 submitters: Benign (1); Likely benign (1). 2 of the submissions do not count toward it. Last evaluated 2022-07-25.

Conditions:
FANCC-related disorder. Also called: FANCC-related condition.
Fanconi anemia (FA). Also called: Fanconi's anemia. Identifiers: Orphanet 84, MedGen C0015625, MeSH D005199, MONDO:0019391.

Allele frequency attached by ClinVar (database versions not stated): gnomAD exomes 0.00010; ExAC 0.00011; 1000 Genomes Project 0.00020; 1000 Genomes Project 30x 0.00031; gnomAD 0.00051 and 0.00056; TOPMed 0.00052.
gnomAD v4.1: 145 of 1,598,186 alleles (0.0091%); highest among the groups gnomAD compares: African/African-American, 0.17%; no homozygotes.

Submissions (4):

Blueprint Genetics
Classification: Likely benign. Last evaluated: 2022-07-25. Review status: criteria provided, single submitter. Criteria: ACMG Guidelines, 2015. Collection method: clinical testing. Allele origin: germline.

GeneDx
Classification: Benign. Last evaluated: 2014-01-08. Review status: criteria provided, single submitter. Criteria: GeneDx Variant Classification (06012015). Collection method: clinical testing. Allele origin: germline. Affected: yes.
Comment: This variant is considered likely benign or benign based on one or more of the following criteria: it is a conservative change, it occurs at a poorly conserved position in the protein, it is predicted to be benign by multiple in silico algorithms, and/or has population frequency not consistent with disease.

PreventionGenetics, part of Exact Sciences
Classification: Likely benign for FANCC-related condition. Last evaluated: 2021-05-21. Review status: no assertion criteria provided. Collection method: clinical testing. Allele origin: germline. Not counted in ClinVar's aggregate classification.
Comment: This variant is classified as likely benign based on ACMG/AMP sequence variant interpretation guidelines (Richards et al. 2015 PMID: 25741868, with internal and published modifications).

Natera, Inc.
Classification: Likely benign for Fanconi anemia. Last evaluated: 2018-04-25. Review status: no assertion criteria provided. Collection method: clinical testing. Allele origin: germline. Not counted in ClinVar's aggregate classification.

NM_000136.3(FANCC):c.1329+111C>T

Genes: AOPEP (aminopeptidase O (putative); plus strand), FANCC (FA complementation group C; minus strand). Cytogenetic location: 9q22.32.
Variant type: single nucleotide variant.
Coding change: c.1329+111C>T on transcript NM_000136.3 (MANE Select); 111 bases into the intron after coding-DNA position 1329, C replaced by T.
Molecular consequence: intron variant.
Genome position (GRCh38, 1-based): chr9:95,111,352, G>A on the plus strand (C>T on the coding strand, the complement: FANCC is on the minus strand). VCF-style: chr9-95111352-G-A. GRCh37 (hg19) VCF-style: chr9-97873634-G-A.
Other names: c.1329+111C>T (NM_001243743.2); c.1330-7C>T (NM_001243744.2).
Identifiers: ClinVar variation 137282 (VCV000137282.5), dbSNP rs527823099, ClinGen allele CA290826.